The following is an entry in ClinVar:

NM_080632.3(UPF3B):c.1339C>T (p.Arg447Ter)

Gene: UPF3B (UPF3B regulator of nonsense mediated mRNA decay; minus strand). Cytogenetic location: Xq24.
Variant type: single nucleotide variant.
Coding change: c.1339C>T on transcript NM_080632.3 (MANE Select); coding-DNA position 1339, C replaced by T.
Protein change: p.Arg447Ter; replaces arginine 447 with a stop codon.
Molecular consequence: nonsense.
Genome position (GRCh38, 1-based): chrX:119,834,991, G>A on the plus strand (C>T on the coding strand, the complement: UPF3B is on the minus strand). VCF-style: chrX-119834991-G-A. GRCh37 (hg19) VCF-style: chrX-118968954-G-A.
Other names: c.1300C>T, p.Arg434Ter (NM_023010.4); short protein forms R447*, R434*.
Identifiers: ClinVar variation 4634179 (VCV004634179.1).
Genomic context (GRCh38, chrX:119,834,991, plus strand): 5'-CTGCTGCTGAATCTCCAGACTTGGTGCTGTCATCAGGGGGACAGAGTCGATTTCGGCTTC[G>A]AGCTCCTGGTTGGTAAAGCTGCATCGCTGGACGATCCTGAAGTACAATAAAATATGTTAC-3'

ClinVar aggregate classification (germline): Uncertain significance (1 of 4 stars; one submission).

Conditions:
Inborn genetic diseases. Identifiers: MedGen C0950123, MeSH D030342.

gnomAD v4.1: 2 of 1,211,935 alleles (0.00017%); highest among the groups gnomAD compares: Non-Finnish European, 0.00022%; no homozygotes.

Submission:

Ambry Genetics
Classification: Uncertain significance for Inborn genetic diseases. Last evaluated: 2025-12-10. Review status: criteria provided, single submitter. Criteria: Ambry Variant Classification Scheme 2023. Collection method: clinical testing. Allele origin: germline.
Comment: The c.1339C>T (p.R447*) alteration, located in exon 11 (coding exon 11) of the UPF3B gene, consists of a C to T substitution at nucleotide position 1339. This changes the amino acid from a arginine (R) to a stop codon at amino acid position 447. This variant is not expected to trigger nonsense-mediated mRNA decay, and impacts the last 7.66% of the protein. The exact functional effect of this alteration is unknown. This variant was not reported in population-based cohorts in the Genome Aggregation Database (gnomAD). Based on insufficient or conflicting evidence, the clinical significance of this alteration remains unclear.